The following is an entry in ClinVar:

ClinVar aggregate classification (germline): Uncertain significance. Review status: criteria provided, multiple submitters, no conflicts (2 of 4 stars). 2 submissions from 2 submitters: Uncertain significance (2). Last evaluated 2025-11-24.

Conditions:
SLC10A2-related disorder. Also called: SLC10A2-related condition.

Allele frequency attached by ClinVar (database versions not stated): TOPMed below 0.00001; gnomAD 0.00001.

Submissions (2):

PreventionGenetics, part of Exact Sciences
Classification: Uncertain significance for SLC10A2-related condition. Last evaluated: 2025-11-24. Review status: criteria provided, single submitter. Criteria: ACMG Guidelines, 2015. Collection method: clinical testing. Allele origin: germline.
Comment: The SLC10A2 c.2T>C variant is predicted to disrupt the translation initiation site (Start loss). To our knowledge, this variant has not been reported in the literature or in a large population database (gnomAD), indicating this variant is rare. Multiple in-frame methionines (Met) occur downstream of this variant in exon 1 (p.46, p.49, p.79). If utilized, these may reinitiate translation. At this time, the clinical significance of this variant is uncertain due to the absence of conclusive functional and genetic evidence.

Labcorp Genetics (formerly Invitae), Labcorp
Classification: Uncertain significance. Last evaluated: 2024-10-07. Review status: criteria provided, single submitter. Criteria: Invitae Variant Classification Sherloc (09022015). Collection method: clinical testing. Allele origin: germline.
Comment: This sequence change affects the initiator methionine of the SLC10A2 mRNA. The next in-frame methionine is located at codon 46. This variant is not present in population databases (gnomAD no frequency). This variant has not been reported in the literature in individuals affected with SLC10A2-related conditions. ClinVar contains an entry for this variant (Variation ID: 1971907). Experimental studies and prediction algorithms are not available or were not evaluated, and the functional significance of this variant is currently unknown. In summary, the available evidence is currently insufficient to determine the role of this variant in disease. Therefore, it has been classified as a Variant of Uncertain Significance.

NM_000452.3(SLC10A2):c.2T>C (p.Met1Thr)

Gene: SLC10A2 (solute carrier family 10 member 2; minus strand). Cytogenetic location: 13q33.1.
Variant type: single nucleotide variant.
Coding change: c.2T>C on transcript NM_000452.3 (MANE Select); coding-DNA position 2, T replaced by C.
Protein change: p.Met1Thr; changes the start codon (methionine 1).
Molecular consequence: missense variant, initiator codon variant.
Genome position (GRCh38, 1-based): chr13:103,066,248, A>G on the plus strand (T>C on the coding strand, the complement: SLC10A2 is on the minus strand). VCF-style: chr13-103066248-A-G. GRCh37 (hg19) VCF-style: chr13-103718598-A-G.
Other names: c.2T>C (NM_000452.2); short protein forms M1T.
Identifiers: ClinVar variation 1971907 (VCV001971907.7), dbSNP rs200961336, ClinGen allele CA255216902.